The following is an entry in ClinVar:

NM_032608.7(MYO18B):c.5971G>C (p.Val1991Leu)

Gene: MYO18B (myosin XVIIIB; plus strand). Cytogenetic location: 22q12.1.
Variant type: single nucleotide variant.
Coding change: c.5971G>C on transcript NM_032608.7 (MANE Select); coding-DNA position 5971, G replaced by C.
Protein change: p.Val1991Leu; replaces valine 1991 with leucine.
Molecular consequence: missense variant.
Genome position (GRCh38, 1-based): chr22:25,955,179, G>C. VCF-style: chr22-25955179-G-C. GRCh37 (hg19) VCF-style: chr22-26351145-G-C.
Other names: c.5974G>C, p.Val1992Leu (NM_001318245.2); short protein forms V1992L, V1991L.
Identifiers: ClinVar variation 2999599 (VCV002999599.3), dbSNP rs2518112852, ClinGen allele CA411008869.

ClinVar aggregate classification (germline): Uncertain significance (1 of 4 stars; one submission).

Submission:

Labcorp Genetics (formerly Invitae), Labcorp
Classification: Uncertain significance. Last evaluated: 2023-09-25. Review status: criteria provided, single submitter. Criteria: Invitae Variant Classification Sherloc (09022015). Collection method: clinical testing. Allele origin: germline.
Comment: In summary, the available evidence is currently insufficient to determine the role of this variant in disease. Therefore, it has been classified as a Variant of Uncertain Significance. An algorithm developed to predict the effect of missense changes on protein structure and function (PolyPhen-2) suggests that this variant is likely to be disruptive. This variant has not been reported in the literature in individuals affected with MYO18B-related conditions. This variant is not present in population databases (gnomAD no frequency). This sequence change replaces valine, which is neutral and non-polar, with leucine, which is neutral and non-polar, at codon 1991 of the MYO18B protein (p.Val1991Leu).